The following is an entry in ClinVar:

ClinVar aggregate classification (germline): Pathogenic (1 of 4 stars; one submission).

Submission:

Labcorp Genetics (formerly Invitae), Labcorp
Classification: Pathogenic. Last evaluated: 2022-07-14. Review status: criteria provided, single submitter. Criteria: Invitae Variant Classification Sherloc (09022015). Collection method: clinical testing. Allele origin: germline.
Comment: This sequence change creates a premature translational stop signal (p.Val6Serfs*93) in the CDT1 gene. It is expected to result in an absent or disrupted protein product. Loss-of-function variants in CDT1 are known to be pathogenic (PMID: 21358632, 22333897). This variant is not present in population databases (gnomAD no frequency). This variant has not been reported in the literature in individuals affected with CDT1-related conditions. For these reasons, this variant has been classified as Pathogenic.

Literature cited by the submitters: PubMed 21358632; PubMed 22333897.

NM_030928.4(CDT1):c.16del (p.Val6fs)

Gene: CDT1 (chromatin licensing and DNA replication factor 1; plus strand). Cytogenetic location: 16q24.3.
Variant type: Deletion.
Coding change: c.16del on transcript NM_030928.4 (MANE Select); coding-DNA position 16, one base deleted (G; older notation c.16delG).
Protein change: p.Val6fs; shifts the reading frame from valine 6.
Molecular consequence: frameshift variant.
Genome position (GRCh38, 1-based): chr16:88,803,847, G deleted. VCF-style (leftmost placement, unchanged base first): chr16-88803846-CG-C. GRCh37 (hg19) VCF-style: chr16-88870254-CG-C.
Other names: short protein forms V6fs.
Identifiers: ClinVar variation 1972396 (VCV001972396.5), dbSNP rs2508191996, ClinGen allele CA2580092318.
Genomic context (GRCh38, chr16:88,803,846, plus strand): 5'-TTCCTCCCTTCCTTCTTTCCTTGCTTTCGCCGCGCACTCCGCCGCCATGGAGCAGCGCCG[CG>C]TCACCGACTTCTTCGCGCGCCGCCGCCCCGGGCCCCCCCGCATCGCGCCGCCCAAGCTGG-3'